The following is an entry in ClinVar:

ClinVar aggregate classification (germline): Pathogenic (1 of 4 stars; one submission).

Submission:

Labcorp Genetics (formerly Invitae), Labcorp
Classification: Pathogenic. Last evaluated: 2024-03-07. Review status: criteria provided, single submitter. Criteria: Invitae Variant Classification Sherloc (09022015). Collection method: clinical testing. Allele origin: germline.
Comment: This sequence change creates a premature translational stop signal (p.Ser888*) in the KMT2A gene. It is expected to result in an absent or disrupted protein product. Loss-of-function variants in KMT2A are known to be pathogenic (PMID: 22795537, 25810209, 29574747). This variant is not present in population databases (gnomAD no frequency). This variant has not been reported in the literature in individuals affected with KMT2A-related conditions. For these reasons, this variant has been classified as Pathogenic.

Literature cited by the submitters: PubMed 22795537; PubMed 25810209; PubMed 29574747.

NM_001197104.2(KMT2A):c.2663C>G (p.Ser888Ter)

Gene: KMT2A (lysine methyltransferase 2A; plus strand). Cytogenetic location: 11q23.3.
Variant type: single nucleotide variant.
Coding change: c.2663C>G on transcript NM_001197104.2 (MANE Select); coding-DNA position 2663, C replaced by G.
Protein change: p.Ser888Ter; replaces serine 888 with a stop codon.
Molecular consequence: nonsense.
Genome position (GRCh38, 1-based): chr11:118,473,822, C>G. VCF-style: chr11-118473822-C-G. GRCh37 (hg19) VCF-style: chr11-118344537-C-G.
Other names: c.2762C>G, p.Ser921Ter (NM_001412597.1); c.2663C>G, p.Ser888Ter (NM_005933.4); short protein forms S888*, S921*.
Identifiers: ClinVar variation 3689498 (VCV003689498.2).